The following is an entry in ClinVar:

ClinVar aggregate classification (germline): Uncertain significance (1 of 4 stars; one submission).

Submission:

ISCA site 4
Classification: Uncertain significance. Last evaluated: 2011-08-12. Review status: criteria provided, single submitter. Criteria: Kaminsky et al. (Genet Med. 2011). Collection method: clinical testing. Allele origin: unknown. Affected: yes. Observed: 1 variant allele.
Comment: Copy number variation identified through the course of routine clinical cytogenomic testing in postnatal populations. Clinical assertions have been curated as described in Kaminsky et al. 2011.

GRCh38/hg38 15q11.2(chr15:22655582-23066575)x1

Genes: CYFIP1 (cytoplasmic FMR1 interacting protein 1; minus strand), NIPA1 (NIPA magnesium transporter 1; plus strand), NIPA2 (NIPA magnesium transporter 2; plus strand), TUBGCP5 (tubulin gamma complex component 5; minus strand), LOC112272575 (Sharpr-MPRA regulatory region 8478; plus strand) and 15 more. Cytogenetic location: 15q11.2.
Variant type: copy number loss.
Change: copy number 1 (one copy instead of two) of chr15:22,655,582-23,066,575 (411.0 kb, GRCh38 coordinates, 1-based), cytogenetic band 15q11.2.
Identifiers: ClinVar variation 161081 (VCV000161081.1).